The following is an entry in ClinVar:

ClinVar aggregate classification (germline): Uncertain significance (1 of 4 stars; one submission).

Conditions:
Familial hypocalciuric hypercalcemia (FHH). Also called: Familial benign hypercalcemia. Identifiers: Orphanet 405, MedGen C1809471, MONDO:0018458.
Autosomal dominant hypocalcemia 1 (HYPOC1). Also called: HYPOCALCEMIA, FAMILIAL. Identifiers: MedGen C3715128, MONDO:0011013, OMIM 601198.

Submission:

Labcorp Genetics (formerly Invitae), Labcorp
Classification: Uncertain significance for Familial hypocalciuric hypercalcemia; Autosomal dominant hypocalcemia 1. Last evaluated: 2025-12-10. Review status: criteria provided, single submitter. Criteria: Invitae Variant Classification Sherloc (09022015). Collection method: clinical testing. Allele origin: germline.
Comment: This sequence change replaces cysteine, which is neutral and slightly polar, with tryptophan, which is neutral and slightly polar, at codon 694 of the CASR protein (p.Cys694Trp). This variant is not present in population databases (gnomAD no frequency). This variant has not been reported in the literature in individuals affected with CASR-related conditions. An algorithm developed to predict the effect of missense changes on protein structure and function (PolyPhen-2) suggests that this variant is likely to be disruptive. In summary, the available evidence is currently insufficient to determine the role of this variant in disease. Therefore, it has been classified as a Variant of Uncertain Significance.

NM_000388.4(CASR):c.2082C>G (p.Cys694Trp)

Gene: CASR (calcium sensing receptor; plus strand). Cytogenetic location: 3q21.1.
Variant type: single nucleotide variant.
Coding change: c.2082C>G on transcript NM_000388.4 (MANE Select); coding-DNA position 2082, C replaced by G.
Protein change: p.Cys694Trp; replaces cysteine 694 with tryptophan.
Molecular consequence: missense variant.
Genome position (GRCh38, 1-based): chr3:122,284,036, C>G. VCF-style: chr3-122284036-C-G. GRCh37 (hg19) VCF-style: chr3-122002883-C-G.
Other names: c.2112C>G, p.Cys704Trp (NM_001178065.2); short protein forms C694W, C704W.
Identifiers: ClinVar variation 4786971 (VCV004786971.1).